The following is an entry in ClinVar:

ClinVar aggregate classification (germline): Pathogenic. Review status: criteria provided, multiple submitters, no conflicts (2 of 4 stars). 7 submissions from 7 submitters: Pathogenic (6). 1 of the submissions does not count toward it. Last evaluated 2025-10-11.

Conditions:
Juvenile myelomonocytic leukemia (JMML). Also called: LEUKEMIA, JUVENILE MYELOMONOCYTIC, SOMATIC. Identifiers: Orphanet 86834, MedGen C0349639, MONDO:0011908, OMIM 607785, HP:0012209.
Neurofibromatosis, familial spinal (FSNF). Identifiers: Orphanet 636, MedGen C1834235, MONDO:0008078, OMIM 162210. Disease mechanism: loss of function.
Neurofibromatosis, type 1 (NF1). Also called: Neurofibromatosis, type I; NEUROFIBROMATOSIS, TYPE I, SOMATIC; Peripheral type neurofibromatosis; VON RECKLINGHAUSEN DISEASE. Identifiers: Orphanet 636, MedGen C0027831, MONDO:0018975, OMIM 162200. Disease mechanism: loss of function.
Café-au-lait macules with pulmonary stenosis (WTSN). Also called: PULMONIC STENOSIS WITH CAFE-AU-LAIT SPOTS. Identifiers: MedGen C0553586, MONDO:0008672, OMIM 193520.
Neurofibromatosis-Noonan syndrome (NFNS). Also called: NEUROFIBROMATOSIS WITH NOONAN PHENOTYPE. Identifiers: Orphanet 638, MedGen C2931482, MONDO:0011035, OMIM 601321. Disease mechanism: loss of function.
NF1-related disorder. Also called: NF1-related condition. Identifiers: MedGen CN379171.

Submissions (7):

Labcorp Genetics (formerly Invitae), Labcorp
Classification: Pathogenic for Neurofibromatosis, type 1. Last evaluated: 2025-10-11. Review status: criteria provided, single submitter. Criteria: Invitae Variant Classification Sherloc (09022015). Collection method: clinical testing. Allele origin: germline.
Comment: This sequence change affects an acceptor splice site in intron 36 of the NF1 gene. RNA analysis indicates that disruption of this splice site induces altered splicing and may result in an absent or altered protein product. This variant is not present in population databases (gnomAD no frequency). Disruption of this splice site has been observed in individuals with neurofibromatosis type 1 (PMID: 10980545, 18546366, 25325900, 26056819; internal data). Invitae Evidence Modeling of clinical and family history, age, sex, and reported ancestry of multiple individuals with this NF1 variant has been performed. This variant is expected to be pathogenic with a positive predictive value of at least 99%. This is a validated machine learning model that incorporates the clinical features of 1,785,918 individuals referred to our laboratory for NF1 testing. ClinVar contains an entry for this variant (Variation ID: 547657). Studies have shown that disruption of this splice site results in multiple mRNA products, and produces a non-functional protein and/or introduces a premature termination codon (internal data). For these reasons, this variant has been classified as Pathogenic.

Mayo Clinic Laboratories, Mayo Clinic
Classification: Pathogenic. Last evaluated: 2023-10-11. Review status: criteria provided, single submitter. Criteria: ACMG Guidelines, 2015. Collection method: clinical testing. Allele origin: germline. Observed: 1 variant allele.
Comment: PP4, PM2_moderate, PVS1

GeneDx
Classification: Pathogenic. Last evaluated: 2022-10-13. Review status: criteria provided, single submitter. Criteria: GeneDx Variant Classification Process June 2021. Collection method: clinical testing. Allele origin: germline. Affected: yes.
Comment: Canonical splice site variant demonstrated to result in a null allele in a gene for which loss of function is a known mechanism of disease (Pros et al., 2008); Not observed at significant frequency in large population cohorts (gnomAD); This variant is associated with the following publications: (PMID: 26056819, 16937374, 18021924, 18546366, 10980545)

Genome-Nilou Lab
Classification: Pathogenic for Neurofibromatosis, type 1. Last evaluated: 2022-03-15. Review status: criteria provided, single submitter. Criteria: ACMG Guidelines, 2015. Collection method: clinical testing. Allele origin: germline. Affected: no.

Center for Human Genetics, Inc
Classification: Pathogenic for Neurofibromatosis, type 1. Last evaluated: 2016-11-01. Review status: criteria provided, single submitter. Criteria: ACMG Guidelines, 2015. Collection method: clinical testing. Allele origin: germline. Affected: yes.

Juno Genomics, Hangzhou Juno Genomics, Inc
Classification: Pathogenic for Café-au-lait macules with pulmonary stenosis; Neurofibromatosis, type 1; Juvenile myelomonocytic leukemia; Neurofibromatosis, familial spinal; Neurofibromatosis-Noonan syndrome. Review status: criteria provided, single submitter. Criteria: ACMG Guidelines, 2015. Collection method: clinical testing. Allele origin: germline. Affected: yes.
Comment: Absent from controls (or at extremely low frequency if recessive) in Genome Aggregation Database.;Null variant in a gene where loss of function (LOF) is a known mechanism of disease.;The prevalence of the variant in affected individuals is significantly increased compared to the prevalence in controls.

PreventionGenetics, part of Exact Sciences
Classification: Pathogenic for NF1-related condition. Last evaluated: 2024-09-22. Review status: no assertion criteria provided. Collection method: clinical testing. Allele origin: germline. Not counted in ClinVar's aggregate classification.
Comment: The NF1 c.5269-2A>G variant is predicted to disrupt the AG splice acceptor site and interfere with normal splicing. This variant is also referred to as c.5206-2A>G in an alternate transcript (NM_000267.3). This variant has been reported in multiple individuals with neurofibromatosis type 1 (see for example - Girodon-Boulandet et al. 2000. PubMed ID: 10980545; Table S3, Zhang et al. 2015. PubMed ID: 26056819). Splicing studies found this variant results in skipping of the exon which is predicted to result in a frameshift and premature protein truncation (Table S1, Zhang et al. 2015. PubMed ID: 26056819). This variant has not been reported in a large population database, indicating this variant is rare. In ClinVar, this variant has been interpreted as pathogenic. Variants that disrupt the consensus splice acceptor site in NF1 are expected to be pathogenic. This variant is interpreted as pathogenic.

Literature cited by the submitters: PubMed 10980545 (cited by Labcorp Genetics (formerly Invitae), Labcorp and Mayo Clinic Laboratories, Mayo Clinic); PubMed 18546366 (cited by Labcorp Genetics (formerly Invitae), Labcorp); PubMed 25325900 (cited by Labcorp Genetics (formerly Invitae), Labcorp); PubMed 26056819 (cited by Labcorp Genetics (formerly Invitae), Labcorp and Mayo Clinic Laboratories, Mayo Clinic).

NM_001042492.3(NF1):c.5269-2A>G

Gene: NF1 (neurofibromin 1; plus strand). Cytogenetic location: 17q11.2.
Variant type: single nucleotide variant.
Coding change: c.5269-2A>G on transcript NM_001042492.3 (MANE Select); the canonical splice acceptor site of the intron before coding-DNA position 5269, A replaced by G.
Molecular consequence: splice acceptor variant.
Genome position (GRCh38, 1-based): chr17:31,327,497, A>G. VCF-style: chr17-31327497-A-G. GRCh37 (hg19) VCF-style: chr17-29654515-A-G.
Other names: c.5269-2A>G (NM_001042492.2); c.5206-2A>G (NM_000267.4, NM_000267.3).
Identifiers: ClinVar variation 547657 (VCV000547657.13), dbSNP rs1555533548, ClinGen allele CA399008847.
Genomic context (GRCh38, chr17:31,327,497, plus strand): 5'-TAGAATTTTATGTAAAAGAGTTTAATTCTTCTCCACTTCACCCCGTCACCACCACTTTCC[A>G]GGTTGGTTCTACTGCTGTCCAAGTAACTTCAGCAGAGCGAACAAAAGTCCTAGGGCAATC-3'